The following is an entry in ClinVar:

NM_001698.3(AUH):c.856A>G (p.Met286Val)

Gene: AUH (AU RNA binding methylglutaconyl-CoA hydratase; minus strand). Cytogenetic location: 9q22.31.
Variant type: single nucleotide variant.
Coding change: c.856A>G on transcript NM_001698.3 (MANE Select); coding-DNA position 856, A replaced by G.
Protein change: p.Met286Val; replaces methionine 286 with valine.
Molecular consequence: missense variant.
Genome position (GRCh38, 1-based): chr9:91,217,315, T>C on the plus strand (A>G on the coding strand, the complement: AUH is on the minus strand). VCF-style: chr9-91217315-T-C. GRCh37 (hg19) VCF-style: chr9-93979597-T-C.
Other names: c.769A>G, p.Met257Val (NM_001306190.2); c.529A>G, p.Met177Val (NM_001351431.2, NM_001351432.2, NM_001351433.2); short protein forms M286V, M177V, M257V.
Identifiers: ClinVar variation 1409039 (VCV001409039.6), dbSNP rs776767438, ClinGen allele CA5119709.

ClinVar aggregate classification (germline): Uncertain significance (1 of 4 stars; one submission).

Conditions:
3-methylglutaconic aciduria type 1 (MGCA1). Identifiers: Orphanet 67046, MedGen C0342727, MONDO:0009610, OMIM 250950.

Allele frequency attached by ClinVar (database versions not stated): ExAC 0.00002.
gnomAD v4.1: 9 of 1,613,760 alleles (0.00056%); highest among the groups gnomAD compares: Non-Finnish European, 0.00076%; no homozygotes.

Submission:

Labcorp Genetics (formerly Invitae), Labcorp
Classification: Uncertain significance for 3-methylglutaconic aciduria type 1. Last evaluated: 2025-01-13. Review status: criteria provided, single submitter. Criteria: Invitae Variant Classification Sherloc (09022015). Collection method: clinical testing. Allele origin: germline.
Comment: This sequence change replaces methionine, which is neutral and non-polar, with valine, which is neutral and non-polar, at codon 286 of the AUH protein (p.Met286Val). This variant is present in population databases (rs776767438, gnomAD 0.005%). This variant has not been reported in the literature in individuals affected with AUH-related conditions. ClinVar contains an entry for this variant (Variation ID: 1409039). Invitae Evidence Modeling of protein sequence and biophysical properties (such as structural, functional, and spatial information, amino acid conservation, physicochemical variation, residue mobility, and thermodynamic stability) indicates that this missense variant is not expected to disrupt AUH protein function with a negative predictive value of 80%. In summary, the available evidence is currently insufficient to determine the role of this variant in disease. Therefore, it has been classified as a Variant of Uncertain Significance.